The following is an entry in ClinVar:

ClinVar aggregate classification (germline): Conflicting classifications of pathogenicity. Review status: criteria provided, conflicting classifications (1 of 4 stars). 4 submissions from 4 submitters: Uncertain significance (1); Likely benign (3). Last evaluated 2025-12-14.

Conditions:
OTOG-related disorder. Also called: OTOG-related condition.

Allele frequency attached by ClinVar (database versions not stated): gnomAD exomes below 0.00001 and 0.00002; gnomAD 0.00008 and 0.00009; TOPMed 0.00008; ExAC 0.00034.
gnomAD v4.1: 41 of 1,475,628 alleles (0.0028%); highest among the groups gnomAD compares: Admixed American, 0.018%; 1 homozygote.

Submissions (4):

Labcorp Genetics (formerly Invitae), Labcorp
Classification: Likely benign. Last evaluated: 2025-12-14. Review status: criteria provided, single submitter. Criteria: Invitae Variant Classification Sherloc (09022015). Collection method: clinical testing. Allele origin: germline.

PreventionGenetics, part of Exact Sciences
Classification: Likely benign for OTOG-related condition. Last evaluated: 2025-10-15. Review status: criteria provided, single submitter. Criteria: ACMG Guidelines, 2015. Collection method: clinical testing. Allele origin: germline.
Comment: This variant is classified as likely benign based on ACMG/AMP sequence variant interpretation guidelines (Richards et al. 2015 PMID: 25741868, with internal and published modifications).

Blueprint Genetics
Classification: Likely benign. Last evaluated: 2024-10-02. Review status: criteria provided, single submitter. Criteria: ACMG Guidelines, 2015. Collection method: clinical testing. Allele origin: germline.

Eurofins Ntd Llc (ga)
Classification: Uncertain significance. Last evaluated: 2017-11-28. Review status: criteria provided, single submitter. Criteria: EGL Classification Definitions 2015. Collection method: clinical testing. Allele origin: germline. Observed: 1 variant allele, 1 heterozygote.

NM_001292063.2(OTOG):c.450A>G (p.Thr150=)

Gene: OTOG (otogelin; plus strand). Cytogenetic location: 11p15.1.
Variant type: single nucleotide variant.
Coding change: c.450A>G on transcript NM_001292063.2 (MANE Select); coding-DNA position 450, A replaced by G.
Protein change: p.Thr150=; no amino-acid change (threonine 150 retained).
Molecular consequence: synonymous variant.
Genome position (GRCh38, 1-based): chr11:17,553,429, A>G. VCF-style: chr11-17553429-A-G. GRCh37 (hg19) VCF-style: chr11-17574976-A-G.
Other names: c.486A>G, p.Thr162= (NM_001277269.2); c.486A>G (NM_001277269.1).
Identifiers: ClinVar variation 595057 (VCV000595057.14), dbSNP rs779238030, ClinGen allele CA5905361.